The following is an entry in ClinVar:

ClinVar aggregate classification (germline): Likely pathogenic (1 of 4 stars; one submission).

Conditions:
Renal cysts and diabetes syndrome (RCAD). Also called: Familial hypoplastic, glomerulocystic kidney; MATURITY-ONSET DIABETES OF THE YOUNG, TYPE 5. Identifiers: Orphanet 93111, MedGen C0431693, MONDO:0007669, OMIM 137920.

Submission:

Institute of Human Genetics, FAU Erlangen, Friedrich-Alexander-Universität Erlangen-Nürnberg
Classification: Likely pathogenic for Renal cysts and diabetes syndrome. Last evaluated: 2019-07-06. Review status: criteria provided, single submitter. Criteria: ACMG Guidelines, 2015. Collection method: literature only. Allele origin: germline. Affected: yes.
Comment: This variant and it's classification has been reported by Vasileiou et al. 2019; DOI:10.1101/576918. The variants has previously been reported in PMID:25700310; PMID:23926411; PMID:25536396 as "c.791T>C; c.791T>C" with clinical significance Pathogenic. It has been re-classified using InterVar and manual curation as Likely pathogenic based on PM1 PM2 PP3 PP5.

Literature cited by the submitters: PubMed 25700310; PubMed 23926411; PubMed 25536396; DOI 10.1101/576918.

NM_000458.4(HNF1B):c.791T>C (p.Leu264Ser)

Genes: HNF1B (HNF1 homeobox B; minus strand), LOC126862549 (BRD4-independent group 4 enhancer GRCh37_chr17:36093401-36094600; plus strand). Cytogenetic location: 17q12.
Variant type: single nucleotide variant.
Coding change: c.791T>C on transcript NM_000458.4 (MANE Select); coding-DNA position 791, T replaced by C.
Protein change: p.Leu264Ser; replaces leucine 264 with serine.
Molecular consequence: missense variant.
Genome position (GRCh38, 1-based): chr17:37,733,575, A>G on the plus strand (T>C on the coding strand, the complement: HNF1B is on the minus strand). VCF-style: chr17-37733575-A-G. GRCh37 (hg19) VCF-style: chr17-36093568-A-G.
Other names: c.713T>C, p.Leu238Ser (NM_001165923.4, NM_001304286.2); short protein forms L264S, L238S.
Identifiers: ClinVar variation 635648 (VCV000635648.1), dbSNP rs2511808395, ClinGen allele CA398747974.